The following is an entry in ClinVar:

NM_001161403.3(LIMS2):c.11+4A>C

Gene: LIMS2 (LIM zinc finger domain containing 2; minus strand). Cytogenetic location: 2q14.3.
Variant type: single nucleotide variant.
Coding change: c.11+4A>C on transcript NM_001161403.3 (MANE Select); 4 bases into the intron after coding-DNA position 11, A replaced by C.
Molecular consequence: intron variant.
Genome position (GRCh38, 1-based): chr2:127,675,010, T>G on the plus strand (A>C on the coding strand, the complement: LIMS2 is on the minus strand). VCF-style: chr2-127675010-T-G. GRCh37 (hg19) VCF-style: chr2-128432584-T-G.
Other names: c.-5+6310A>C (NM_001161404.2); c.11+4A>C (NM_001136037.4).
Identifiers: ClinVar variation 4712634 (VCV004712634.1).
Genomic context (GRCh38, chr2:127,675,010, plus strand): 5'-CGCCTCGGCCAGGGGTCCCGCAGTCCCGCCTCCCCGGCCCGGGGGCGTGGGTGGGGGCCG[T>G]TACCTTCCCGTCATGGTGGCAGCGACGCCGAGCCCTGGGTTGCCGGGGTTGCCGCGGGTC-3'

ClinVar aggregate classification (germline): Uncertain significance (1 of 4 stars; one submission).

Conditions:
Autosomal recessive limb-girdle muscular dystrophy type 2W (MDRCMTT). Also called: Muscular dystrophy, autosomal recessive, with cardiomyopathy and triangular tongue; Muscular dystrophy, limb-girdle, type 2W. Identifiers: MedGen C4225192, MONDO:0014788, OMIM 616827.

gnomAD v4.1: 5 of 1,229,540 alleles (0.00041%); highest among the groups gnomAD compares: Non-Finnish European, 0.00051%; no homozygotes.

Submission:

Labcorp Genetics (formerly Invitae), Labcorp
Classification: Uncertain significance for Autosomal recessive limb-girdle muscular dystrophy type 2W. Last evaluated: 2025-11-23. Review status: criteria provided, single submitter. Criteria: Invitae Variant Classification Sherloc (09022015). Collection method: clinical testing. Allele origin: germline.
Comment: This sequence change falls in intron 1 of the LIMS2 gene. It does not directly change the encoded amino acid sequence of the LIMS2 protein. It affects a nucleotide within the consensus splice site. This variant is not present in population databases (gnomAD no frequency). This variant has not been reported in the literature in individuals affected with LIMS2-related conditions. Variants that disrupt the consensus splice site are a relatively common cause of aberrant splicing (PMID: 17576681, 9536098). Algorithms developed to predict the effect of sequence changes on RNA splicing suggest that this variant is not likely to affect RNA splicing. In summary, the available evidence is currently insufficient to determine the role of this variant in disease. Therefore, it has been classified as a Variant of Uncertain Significance.

Literature cited by the submitters: PubMed 17576681; PubMed 9536098.